The following is an entry in ClinVar:

ClinVar aggregate classification (germline): Likely benign. Review status: criteria provided, multiple submitters, no conflicts (2 of 4 stars). 3 submissions from 3 submitters: Likely benign (2). 1 of the submissions does not count toward it. Last evaluated 2018-09-21.

Conditions:
ABCA1-related disorder. Also called: ABCA1-related condition; ABCA1-related disorders. Identifiers: MedGen CN239173.

Allele frequency attached by ClinVar (database versions not stated): gnomAD exomes 0.00104 and 0.00254; ExAC 0.00324; gnomAD 0.00994 and 0.01059; TOPMed 0.01003; 1000 Genomes Project 0.01018; ESP Exome Variant Server 0.01123; 1000 Genomes Project 30x 0.01171.
gnomAD v4.1: 2,907 of 1,549,658 alleles (0.19%); highest among the groups gnomAD compares: African/African-American, 3.6%; 54 homozygotes.

Submissions (3):

GeneDx
Classification: Likely benign. Last evaluated: 2018-09-21. Review status: criteria provided, single submitter. Criteria: GeneDx Variant Classification Process June 2021. Collection method: clinical testing. Allele origin: germline. Affected: yes.

Breakthrough Genomics
Classification: Likely benign. Review status: criteria provided, single submitter. Criteria: ACMG Guidelines, 2015. Collection method: not provided. Allele origin: germline. Inheritance: Autosomal recessive inheritance. Affected: yes.

PreventionGenetics, part of Exact Sciences
Classification: Benign for ABCA1-related condition. Last evaluated: 2019-03-25. Review status: no assertion criteria provided. Collection method: clinical testing. Allele origin: germline. Not counted in ClinVar's aggregate classification.
Comment: This variant is classified as benign based on ACMG/AMP sequence variant interpretation guidelines (Richards et al. 2015 PMID: 25741868, with internal and published modifications).

NM_005502.4(ABCA1):c.1195-28C>T

Gene: ABCA1 (ATP binding cassette subfamily A member 1; minus strand). Cytogenetic location: 9q31.1.
Variant type: single nucleotide variant.
Coding change: c.1195-28C>T on transcript NM_005502.4 (MANE Select); 28 bases into the intron before coding-DNA position 1195, C replaced by T.
Molecular consequence: intron variant.
Genome position (GRCh38, 1-based): chr9:104,837,124, G>A on the plus strand (C>T on the coding strand, the complement: ABCA1 is on the minus strand). VCF-style: chr9-104837124-G-A. GRCh37 (hg19) VCF-style: chr9-107599405-G-A.
Other names: c.1195-28C>T (NM_005502.3).
Identifiers: ClinVar variation 1206525 (VCV001206525.6), dbSNP rs73663563, ClinGen allele CA5169084.